The following is an entry in ClinVar:

NM_001737.5(C9):c.187C>T (p.Arg63Cys)

Gene: C9 (complement C9; minus strand). Cytogenetic location: 5p13.1.
Variant type: single nucleotide variant.
Coding change: c.187C>T on transcript NM_001737.5 (MANE Select); coding-DNA position 187, C replaced by T.
Protein change: p.Arg63Cys; replaces arginine 63 with cysteine.
Molecular consequence: missense variant.
Genome position (GRCh38, 1-based): chr5:39,341,697, G>A on the plus strand (C>T on the coding strand, the complement: C9 is on the minus strand). VCF-style: chr5-39341697-G-A. GRCh37 (hg19) VCF-style: chr5-39341799-G-A.
Other names: p.Arg63Cys; short protein forms R63C.
Identifiers: ClinVar variation 1511211 (VCV001511211.4), dbSNP rs749534250, ClinGen allele CA3247095.

ClinVar aggregate classification (germline): Uncertain significance. Review status: criteria provided, multiple submitters, no conflicts (2 of 4 stars). 2 submissions from 2 submitters: Uncertain significance (2). Last evaluated 2025-12-16.

Allele frequency attached by ClinVar (database versions not stated): gnomAD exomes 0.00003 and 0.00002; TOPMed 0.00001; ExAC 0.00003.
gnomAD v4.1: 27 of 1,613,754 alleles (0.0017%); highest among the groups gnomAD compares: South Asian, 0.019%; no homozygotes.

Submissions (2):

Mayo Clinic Laboratories, Mayo Clinic
Classification: Uncertain significance. Last evaluated: 2025-12-16. Review status: criteria provided, single submitter. Criteria: ACMG Guidelines, 2015. Collection method: clinical testing. Allele origin: germline. Observed: 1 variant allele.
Comment: PP3_moderate

Labcorp Genetics (formerly Invitae), Labcorp
Classification: Uncertain significance. Last evaluated: 2021-10-27. Review status: criteria provided, single submitter. Criteria: Invitae Variant Classification Sherloc (09022015). Collection method: clinical testing. Allele origin: germline.
Comment: This sequence change replaces arginine, a(n) basic and polar amino acid, with cysteine, a(n) neutral and slightly polar amino acid, at codon 63 of the C9 protein (p.Arg63Cys). This variant is present in population databases (rs749534250, gnomAD 0.01%). This variant has not been reported in the literature in individuals affected with C9-related conditions. Algorithms developed to predict the effect of missense changes on protein structure and function are either unavailable or do not agree on the potential impact of this missense change (SIFT: "Not Available"; PolyPhen-2: "Probably Damaging"; Align-GVGD: "Not Available"). In summary, the available evidence is currently insufficient to determine the role of this variant in disease. Therefore, it has been classified as a Variant of Uncertain Significance.